The following is an entry in ClinVar:

ClinVar aggregate classification (germline): Conflicting classifications of pathogenicity. Review status: criteria provided, conflicting classifications (1 of 4 stars). 3 submissions from 3 submitters: Pathogenic (1); Uncertain significance (1); Likely benign (1). Last evaluated 2026-04-27.

Conditions:
Neurodegeneration, infantile-onset, biotin-responsive. Also called: SODIUM-DEPENDENT MULTIVITAMIN TRANSPORTER DEFICIENCY; SMVT DEFICIENCY. Identifiers: Orphanet 521268, MedGen C5436520, MONDO:0033546, OMIM 618973.
Inborn genetic diseases. Identifiers: MedGen C0950123, MeSH D030342.

Allele frequency attached by ClinVar (database versions not stated): gnomAD 0.00001; gnomAD exomes 0.00001 and 0.00005; TOPMed 0.00001; ExAC 0.00007.
gnomAD v4.1: 11 of 1,614,124 alleles (0.00068%); highest among the groups gnomAD compares: East Asian, 0.025%; no homozygotes.

Submissions (3):

Stanford Starfish Project, Stanford University
Classification: Pathogenic for Neurodegeneration, infantile-onset, biotin-responsive. Last evaluated: 2026-04-27. Review status: criteria provided, single submitter. Criteria: ACMG Guidelines, 2015. Collection method: provider interpretation. Allele origin: paternal. Inheritance: Autosomal recessive inheritance. Affected: yes. Observed: 1 variant allele, 1 compound heterozygote.
Comment: This variant is predicted to result in the substitution of methionine with lysine at amino acid 61 (p.Met61Lys). In silico analysis supports that this missense variant has a deleterious effect on the protein. This variant is rare in large population databases with an allele frequency of 0.0002450 in East Asian populations. See Observation 1 for details on clinical features. Variant confirmed to be in trans with pathogenic SLC5A6 variant (c.1310C>T, p.Pro437Leu).

Ambry Genetics
Classification: Likely benign for Inborn genetic diseases. Last evaluated: 2023-07-30. Review status: criteria provided, single submitter. Criteria: Ambry Variant Classification Scheme 2023. Collection method: clinical testing. Allele origin: germline.

GeneDx
Classification: Uncertain significance. Last evaluated: 2021-01-18. Review status: criteria provided, single submitter. Criteria: GeneDx Variant Classification Process June 2021. Collection method: clinical testing. Allele origin: germline. Affected: yes.
Comment: In silico analysis supports that this missense variant has a deleterious effect on protein structure/function; Has not been previously published as pathogenic or benign to our knowledge

NM_021095.4(SLC5A6):c.182T>A (p.Met61Lys)

Gene: SLC5A6 (solute carrier family 5 member 6; minus strand). Cytogenetic location: 2p23.3.
Variant type: single nucleotide variant.
Coding change: c.182T>A on transcript NM_021095.4 (MANE Select); coding-DNA position 182, T replaced by A.
Protein change: p.Met61Lys; replaces methionine 61 with lysine.
Molecular consequence: missense variant. On other transcripts: non-coding transcript variant (1).
Genome position (GRCh38, 1-based): chr2:27,207,469, A>T on the plus strand (T>A on the coding strand, the complement: SLC5A6 is on the minus strand). VCF-style: chr2-27207469-A-T. GRCh37 (hg19) VCF-style: chr2-27430337-A-T.
Other names: short protein forms M61K.
Identifiers: ClinVar variation 1317298 (VCV001317298.4), dbSNP rs747165711, ClinGen allele CA1571902.